The following is an entry in ClinVar:

ClinVar aggregate classification (germline): Pathogenic (1 of 4 stars; one submission).

Conditions:
Ornithine aminotransferase deficiency (GACR). Also called: OKT DEFICIENCY; Ornithine ketoacid aminotransferase deficiency; Gyrate atrophy; Gyrate atrophy of choroid and retina; Girate atrophy of the retina; OAT DEFICIENCY. Identifiers: Orphanet 414, MedGen C0018425, MONDO:0009796, OMIM 258870.

Submission:

Labcorp Genetics (formerly Invitae), Labcorp
Classification: Pathogenic for Ornithine aminotransferase deficiency. Last evaluated: 2023-06-15. Review status: criteria provided, single submitter. Criteria: Invitae Variant Classification Sherloc (09022015). Collection method: clinical testing. Allele origin: germline.
Comment: For these reasons, this variant has been classified as Pathogenic. This variant has not been reported in the literature in individuals affected with OAT-related conditions. This variant is not present in population databases (gnomAD no frequency). This sequence change creates a premature translational stop signal (p.Arg331Leufs*9) in the OAT gene. It is expected to result in an absent or disrupted protein product. Loss-of-function variants in OAT are known to be pathogenic (PMID: 1737786, 23076989).

Literature cited by the submitters: PubMed 1737786; PubMed 23076989.

NM_000274.4(OAT):c.988_991dup (p.Arg331fs)

Gene: OAT (ornithine aminotransferase; minus strand). Cytogenetic location: 10q26.13.
Variant type: Duplication.
Coding change: c.988_991dup on transcript NM_000274.4 (MANE Select); coding-DNA positions 988 to 991, 4 bases duplicated (TGCC; older notation c.988_991dupTGCC).
Protein change: p.Arg331fs; shifts the reading frame from arginine 331.
Molecular consequence: frameshift variant.
Genome position (GRCh38, 1-based): chr10:124,401,749-124,401,752, GGCA duplicated on the plus strand (TGCC on the coding strand, the reverse complement: OAT is on the minus strand); duplicating any 4 consecutive bases within chr10:124,401,749-124,401,753 gives the same sequence; the c. name uses the placement nearest the transcript's 3' end. VCF-style (leftmost placement, unchanged base first): chr10-124401748-C-CGGCA. GRCh37 (hg19) VCF-style: chr10-126090317-C-CGGCA.
Other names: c.988_991dup, p.Arg331fs (NM_001322966.2, NM_001322967.2, NM_001322968.2 and 3 more transcripts); c.667_670dup, p.Arg224fs (NM_001322971.2); c.388_391dup, p.Arg131fs (NM_001322974.2); c.574_577dup, p.Arg193fs (NM_001171814.2); short protein forms R131fs, R193fs, R224fs, R331fs.
Identifiers: ClinVar variation 2716189 (VCV002716189.3), dbSNP rs1951415811, ClinGen allele CA1942337393.